The following is an entry in ClinVar:

ClinVar aggregate classification (germline): Uncertain significance (1 of 4 stars; one submission).

Conditions:
Microcephaly-intellectual disability-sensorineural hearing loss-epilepsy-abnormal muscle tone syndrome (NEDHSB). Also called: NEURODEVELOPMENTAL DISORDER WITH HEARING LOSS, SEIZURES, AND BRAIN ABNORMALITIES. Identifiers: Orphanet 457351, MedGen C4225276, MONDO:0014698, OMIM 616577.

Submission:

3billion
Classification: Uncertain significance for Microcephaly-intellectual disability-sensorineural hearing loss-epilepsy-abnormal muscle tone syndrome. Last evaluated: 2022-05-22. Review status: criteria provided, single submitter. Criteria: ACMG Guidelines, 2015. Collection method: clinical testing. Allele origin: germline. Affected: yes. Observed: 1 heterozygote.
Comment: The variant is not observed in the gnomAD v2.1.1 dataset. Frameshift: predicted to result in a loss or disruption of normal protein function through protein truncation. The predicted truncated protein may be shortened by less than 10%. Therefore, this variant is classified as uncertain significanceaccording to the recommendation of ACMG/AMP guideline.

NM_145207.3(AFG2A):c.2679_2680del (p.Ter894ArgextTer?)

Gene: AFG2A (AFG2 AAA ATPase homolog A; plus strand). Cytogenetic location: 4q28.1.
Variant type: Microsatellite.
Coding change: c.2679_2680del on transcript NM_145207.3 (MANE Select); coding-DNA positions 2679 to 2680, 2 bases deleted (CT; older notation c.2679_2680delCT).
Protein change: p.Ter894ArgextTer?.
Molecular consequence: frameshift variant.
Genome position (GRCh38, 1-based): chr4:123,314,061-123,314,062, CT deleted; deleting any 2 consecutive bases within chr4:123,314,059-123,314,062 gives the same sequence; the c. name uses the placement nearest the transcript's 3' end. VCF-style (leftmost placement, unchanged base first): chr4-123314058-ACT-A. GRCh37 (hg19) VCF-style: chr4-124235213-ACT-A.
Other names: c.2676_2677del, p.Ter893ArgextTer? (NM_001345856.2).
Identifiers: ClinVar variation 1687578 (VCV001687578.1), dbSNP rs1744027317, ClinGen allele CA1490671346.